The following is an entry in ClinVar:

NM_005883.3(APC2):c.200C>T (p.Ser67Leu)

Gene: APC2 (APC regulator of Wnt signaling pathway 2; plus strand). Cytogenetic location: 19p13.3.
Variant type: single nucleotide variant.
Coding change: c.200C>T on transcript NM_005883.3 (MANE Select); coding-DNA position 200, C replaced by T.
Protein change: p.Ser67Leu; replaces serine 67 with leucine.
Molecular consequence: missense variant.
Genome position (GRCh38, 1-based): chr19:1,453,305, C>T. VCF-style: chr19-1453305-C-T. GRCh37 (hg19) VCF-style: chr19-1453304-C-T.
Other names: c.200C>T, p.Ser67Leu (NM_001351273.1); short protein forms S67L.
Identifiers: ClinVar variation 1699531 (VCV001699531.8), dbSNP rs867728580, ClinGen allele CA403008655.

ClinVar aggregate classification (germline): Uncertain significance. Review status: criteria provided, multiple submitters, no conflicts (2 of 4 stars). 4 submissions from 4 submitters: Uncertain significance (4). Last evaluated 2026-04-22.

Conditions:
Inborn genetic diseases. Identifiers: MedGen C0950123, MeSH D030342.

Allele frequency attached by ClinVar (database versions not stated): gnomAD 0.00001 and 0.00002; TOPMed 0.00002.

Submissions (4):

GeneDx
Classification: Uncertain significance. Last evaluated: 2026-04-22. Review status: criteria provided, single submitter. Criteria: GeneDx Variant Classification Process June 2021. Collection method: clinical testing. Allele origin: germline.
Comment: Not observed at significant frequency in large population cohorts (gnomAD); In silico analysis supports that this missense variant has a deleterious effect on protein structure/function; Has not been previously published as pathogenic or benign to our knowledge

Dasa
Classification: Uncertain significance. Last evaluated: 2025-06-16. Review status: criteria provided, single submitter. Criteria: DASA Assertion Criteria. Collection method: clinical testing. Allele origin: germline.
Comment: NM_005883.3(APC2):c.200C>T (p.Ser67Leu) is a missense variant that results in the substitution of serine with leucine. This variant is rare in population databases. Computational prediction algorithms are consistent with a benign effect. The currently available literature and clinical evidence are not sufficient to establish a definitive association between this variant and the reported condition. Therefore, this variant is classified as a variant of uncertain significance.

Ambry Genetics
Classification: Uncertain significance for Inborn genetic diseases. Last evaluated: 2023-10-20. Review status: criteria provided, single submitter. Criteria: Ambry Variant Classification Scheme 2023. Collection method: clinical testing. Allele origin: germline.

Labcorp Genetics (formerly Invitae), Labcorp
Classification: Uncertain significance. Last evaluated: 2023-09-25. Review status: criteria provided, single submitter. Criteria: Invitae Variant Classification Sherloc (09022015). Collection method: clinical testing. Allele origin: germline.
Comment: This sequence change replaces serine, which is neutral and polar, with leucine, which is neutral and non-polar, at codon 67 of the APC2 protein (p.Ser67Leu). This variant is present in population databases (no rsID available, gnomAD 0.005%). This variant has not been reported in the literature in individuals affected with APC2-related conditions. ClinVar contains an entry for this variant (Variation ID: 1699531). Algorithms developed to predict the effect of missense changes on protein structure and function output the following: SIFT: "Not Available"; PolyPhen-2: "Benign"; Align-GVGD: "Not Available". The leucine amino acid residue is found in multiple mammalian species, which suggests that this missense change does not adversely affect protein function. In summary, the available evidence is currently insufficient to determine the role of this variant in disease. Therefore, it has been classified as a Variant of Uncertain Significance.